The following is an entry in ClinVar:

NM_014251.3(SLC25A13):c.1763G>A (p.Arg588Gln)

Gene: SLC25A13 (solute carrier family 25 member 13; minus strand). Cytogenetic location: 7q21.3.
Variant type: single nucleotide variant.
Coding change: c.1763G>A on transcript NM_014251.3 (MANE Select); coding-DNA position 1763, G replaced by A.
Protein change: p.Arg588Gln; replaces arginine 588 with glutamine.
Molecular consequence: missense variant. On other transcripts: non-coding transcript variant (1).
Genome position (GRCh38, 1-based): chr7:96,121,733, C>T on the plus strand (G>A on the coding strand, the complement: SLC25A13 is on the minus strand). VCF-style: chr7-96121733-C-T. GRCh37 (hg19) VCF-style: chr7-95751045-C-T.
Other names: c.1766G>A, p.Arg589Gln (NM_001160210.2); short protein forms R588Q, R589Q.
Identifiers: ClinVar variation 6007 (VCV000006007.39), dbSNP rs121908532, ClinGen allele CA253676.

ClinVar aggregate classification (germline): Conflicting classifications of pathogenicity. Review status: criteria provided, conflicting classifications (1 of 4 stars). 6 submissions from 6 submitters: Pathogenic (1); Likely pathogenic (3); Uncertain significance (1). 1 of the submissions does not count toward it. Last evaluated 2024-12-17.

Conditions:
Citrullinemia. Identifiers: Orphanet 187, MedGen C0175683, MONDO:0015991.
Inborn genetic diseases. Identifiers: MedGen C0950123, MeSH D030342.
Citrin deficiency. Identifiers: Orphanet 247582, MedGen C1997910, MONDO:0016602.
Citrullinemia type II. Also called: Citrullinemia Type II (CTLN2). Identifiers: Orphanet 247585, MedGen C1863844, MONDO:0016603.
Neonatal intrahepatic cholestasis due to citrin deficiency (CDNI). Also called: Neonatal Intrahepatic Cholestasis Caused by Citrin Deficiency (NICCD); Neonatal-onset citrullinemia type II; Neonatal-onset citrullinemia type 2; CITRIN DEFICIENCY, NEONATAL OR INFANTILE ONSET. Identifiers: Orphanet 247598, MedGen C1853942, MONDO:0011601, OMIM 605814.

Allele frequency attached by ClinVar (database versions not stated): TOPMed below 0.00001; gnomAD exomes 0.00001; ExAC 0.00002.
gnomAD v4.1: 11 of 1,613,930 alleles (0.00068%); highest among the groups gnomAD compares: South Asian, 0.0077%; no homozygotes.

Submissions (6):

Natera, Inc.
Classification: Likely pathogenic for Citrullinemia. Last evaluated: 2024-12-17. Review status: criteria provided, single submitter. Criteria: Natera Variant Classification Schema (03/2026). Collection method: clinical testing. Allele origin: germline.
Comment: The c.1763G>A variant in SLC25A13 is a missense variant predicted to cause substitution of arginine to glutamine at amino acid 588. This variant is rare in the general population with a frequency below the threshold expected for the associated phenotype(s). This variant has been observed in one or more individuals affected with the associated recessive disease, as either homozygous or compound heterozygous with a second variant (PMID: 18367750, 21908947, 36599957, 37939726). Functional studies show that this variant may disrupt protein function (PMID: 18367750). Computational prediction algorithms indicate this variant is likely to affect gene or protein function. Given the available evidence, this variant is classified as Likely Pathogenic.

Labcorp Genetics (formerly Invitae), Labcorp
Classification: Likely pathogenic for Citrin deficiency. Last evaluated: 2023-04-06. Review status: criteria provided, single submitter. Criteria: Invitae Variant Classification Sherloc (09022015). Collection method: clinical testing. Allele origin: germline.
Comment: ClinVar contains an entry for this variant (Variation ID: 6007). Advanced modeling of protein sequence and biophysical properties (such as structural, functional, and spatial information, amino acid conservation, physicochemical variation, residue mobility, and thermodynamic stability) performed at Invitae indicates that this missense variant is expected to disrupt SLC25A13 protein function. Experimental studies have shown that this missense change affects SLC25A13 function (PMID: 18367750). Algorithms developed to predict the effect of sequence changes on RNA splicing suggest that this variant may create or strengthen a splice site. This variant disrupts the p.Arg588 amino acid residue in SLC25A13. Other variant(s) that disrupt this residue have been observed in individuals with SLC25A13-related conditions (PMID: 27829683), which suggests that this may be a clinically significant amino acid residue. In summary, the currently available evidence indicates that the variant is pathogenic, but additional data are needed to prove that conclusively. Therefore, this variant has been classified as Likely Pathogenic. This missense change has been observed in individual(s) with citrin deficiency (PMID: 18392553, 36599957). In at least one individual the data is consistent with being in trans (on the opposite chromosome) from a pathogenic variant. This sequence change replaces arginine, which is basic and polar, with glutamine, which is neutral and polar, at codon 588 of the SLC25A13 protein (p.Arg588Gln). This variant is present in population databases (rs121908532, gnomAD 0.006%).

Genesolutions, Medical Genetics Institutes, Ho Chi Minh City, Vietnam
Classification: Pathogenic for Neonatal intrahepatic cholestasis due to citrin deficiency. Last evaluated: 2022-06-30. Review status: criteria provided, single submitter. Criteria: ACMG Guidelines, 2015. Collection method: clinical testing. Allele origin: germline. Affected: yes.

Ambry Genetics
Classification: Likely pathogenic for Inborn genetic diseases. Last evaluated: 2018-02-19. Review status: criteria provided, single submitter. Criteria: Ambry exome assertion method (8-5-2015). Collection method: clinical testing. Allele origin: germline. Affected: yes. Observed: 1 variant allele.

Eurofins Ntd Llc (ga)
Classification: Uncertain significance. Last evaluated: 2017-07-26. Review status: criteria provided, single submitter. Criteria: EGL Classification Definitions 2015. Collection method: clinical testing. Allele origin: germline. Observed: 1 variant allele, 1 heterozygote.

OMIM
Classification: Pathogenic for CITRIN DEFICIENCY, ADULT ONSET. Last evaluated: 2008-03-27. Review status: no assertion criteria provided. Collection method: literature only. Allele origin: germline. Not counted in ClinVar's aggregate classification.

Literature cited by the submitters: PubMed 18367750 (cited by 4 submitters); PubMed 21908947 (cited by Natera, Inc.); PubMed 36599957 (cited by 3 submitters); PubMed 37939726 (cited by Natera, Inc.); PubMed 27829683 (cited by Labcorp Genetics (formerly Invitae), Labcorp); PubMed 18392553 (cited by Labcorp Genetics (formerly Invitae), Labcorp and Ambry Genetics).